The following is an entry in ClinVar:

ClinVar aggregate classification (germline): Uncertain significance (1 of 4 stars; one submission).

Conditions:
RASopathy. Also called: rasopathies; Noonan spectrum disorder. Identifiers: Orphanet 536391, MedGen C5555857, MONDO:0021060.

Submission:

Labcorp Genetics (formerly Invitae), Labcorp
Classification: Uncertain significance for RASopathy. Last evaluated: 2021-12-09. Review status: criteria provided, single submitter. Criteria: Invitae Variant Classification Sherloc (09022015). Collection method: clinical testing. Allele origin: germline.
Comment: In summary, the available evidence is currently insufficient to determine the role of this variant in disease. Therefore, it has been classified as a Variant of Uncertain Significance. Advanced modeling of protein sequence and biophysical properties (such as structural, functional, and spatial information, amino acid conservation, physicochemical variation, residue mobility, and thermodynamic stability) performed at Invitae indicates that this missense variant is expected to disrupt BRAF protein function. This variant has not been reported in the literature in individuals affected with BRAF-related conditions. This variant is not present in population databases (gnomAD no frequency). This sequence change replaces serine, which is neutral and polar, with alanine, which is neutral and non-polar, at codon 363 of the BRAF protein (p.Ser363Ala).

NM_004333.6(BRAF):c.1087T>G (p.Ser363Ala)

Genes: BRAF (B-Raf proto-oncogene, serine/threonine kinase; minus strand), LOC126860202 (BRD4-independent group 4 enhancer GRCh37_chr7:140493623-140494822; plus strand). Cytogenetic location: 7q34.
Variant type: single nucleotide variant.
Coding change: c.1087T>G on transcript NM_004333.6 (MANE Select); coding-DNA position 1087, T replaced by G.
Protein change: p.Ser363Ala; replaces serine 363 with alanine.
Molecular consequence: missense variant.
Genome position (GRCh38, 1-based): chr7:140,794,361, A>C on the plus strand (T>G on the coding strand, the complement: BRAF is on the minus strand). VCF-style: chr7-140794361-A-C. GRCh37 (hg19) VCF-style: chr7-140494161-A-C.
Other names: c.1087T>G, p.Ser363Ala (NM_001354609.2, NM_001374244.1, NM_001374258.1 and 4 more transcripts); c.1096T>G, p.Ser366Ala (NM_001378467.1); c.985T>G, p.Ser329Ala (NM_001378470.1); c.931T>G, p.Ser311Ala (NM_001378472.1, NM_001378473.1); c.823T>G, p.Ser275Ala (NM_001378475.1); short protein forms S366A, S311A, S363A, S275A, S329A.
Identifiers: ClinVar variation 1973400 (VCV001973400.5), dbSNP rs2536268088, ClinGen allele CA369589790.